The following is an entry in ClinVar:

NM_030930.4(UNC93B1):c.1703G>A (p.Gly568Glu)

Gene: UNC93B1 (unc-93B1 regulator of TLR signaling; minus strand). Cytogenetic location: 11q13.2.
Variant type: single nucleotide variant.
Coding change: c.1703G>A on transcript NM_030930.4 (MANE Select); coding-DNA position 1703, G replaced by A.
Protein change: p.Gly568Glu; replaces glycine 568 with glutamic acid.
Molecular consequence: missense variant.
Genome position (GRCh38, 1-based): chr11:67,991,637, C>T on the plus strand (G>A on the coding strand, the complement: UNC93B1 is on the minus strand). VCF-style: chr11-67991637-C-T. GRCh37 (hg19) VCF-style: chr11-67759108-C-T.
Other names: short protein forms G568E.
Identifiers: ClinVar variation 650678 (VCV000650678.6), dbSNP rs2375181, ClinGen allele CA381566964.

ClinVar aggregate classification (germline): Uncertain significance (1 of 4 stars; one submission).

Conditions:
Encephalopathy, acute, infection-induced (herpes-specific), susceptibility to, 1. Also called: Herpes simplex encephalitis, susceptibility to, 1. Identifiers: Orphanet 1930, MedGen C2750180, MONDO:0024563, OMIM 610551.

Allele frequency attached by ClinVar (database versions not stated): TOPMed 0.00004; gnomAD 0.00008 and 0.00007; gnomAD exomes 0.00001 and 0.00003.
gnomAD v4.1: 24 of 1,522,104 alleles (0.0016%); highest among the groups gnomAD compares: African/African-American, 0.025%; no homozygotes.

Submission:

Labcorp Genetics (formerly Invitae), Labcorp
Classification: Uncertain significance for Encephalopathy, acute, infection-induced (herpes-specific), susceptibility to, 1. Last evaluated: 2022-07-26. Review status: criteria provided, single submitter. Criteria: Invitae Variant Classification Sherloc (09022015). Collection method: clinical testing. Allele origin: germline.
Comment: This sequence change replaces glycine, which is neutral and non-polar, with glutamic acid, which is acidic and polar, at codon 568 of the UNC93B1 protein (p.Gly568Glu). This variant is present in population databases (no rsID available, gnomAD 0.02%). This variant has not been reported in the literature in individuals affected with UNC93B1-related conditions. ClinVar contains an entry for this variant (Variation ID: 650678). In summary, the available evidence is currently insufficient to determine the role of this variant in disease. Therefore, it has been classified as a Variant of Uncertain Significance.